The following is an entry in ClinVar:

ClinVar aggregate classification (germline): Likely pathogenic (1 of 4 stars; one submission).

Conditions:
Dilated cardiomyopathy 1G (CMD1G). Identifiers: Orphanet 154, MedGen C1858763, MONDO:0011400, OMIM 604145.
Autosomal recessive limb-girdle muscular dystrophy type 2J (LGMDR10). Also called: Limb-girdle muscular dystrophy, type 2J; MUSCULAR DYSTROPHY, LIMB-GIRDLE, AUTOSOMAL RECESSIVE 10. Identifiers: Orphanet 140922, MedGen C1837342, MONDO:0012127, OMIM 608807.

Submission:

Labcorp Genetics (formerly Invitae), Labcorp
Classification: Likely pathogenic for Dilated cardiomyopathy 1G; Autosomal recessive limb-girdle muscular dystrophy type 2J. Last evaluated: 2025-05-27. Review status: criteria provided, single submitter. Criteria: Invitae Variant Classification Sherloc (09022015). Collection method: clinical testing. Allele origin: germline.
Comment: This sequence change creates a premature translational stop signal (p.Glu10618Lysfs*7) in the TTN gene. While this is not anticipated to result in nonsense mediated decay, it is expected to create a truncated TTN protein. This variant is not present in population databases (gnomAD no frequency). This variant has not been observed in the literature in individuals with autosomal recessive TTN-related conditions. This variant has been reported in individual(s) with nonischemic cardiomyopathy or heart failure (PMID: 31691645); however, the role of the variant in this condition is currently unclear. ClinVar contains an entry for this variant (Variation ID: 3748282). Algorithms developed to predict the effect of sequence changes on RNA splicing suggest that this variant may disrupt the consensus splice site. This variant is located in the I band of TTN (PMID: 25589632). Truncating variants in this region have been reported in individuals affected with autosomal recessive centronuclear myopathy (PMID: 23975875, internal data). Truncating variants in this region have also been identified in individuals affected with autosomal dominant dilated cardiomyopathy and/or cardio-related conditions (PMID: 27869827, 32964742, internal data). In summary, the currently available evidence indicates that the variant is pathogenic, but additional data are needed to prove that conclusively. Therefore, this variant has been classified as Likely Pathogenic.

Literature cited by the submitters: PubMed 31691645; PubMed 25589632; PubMed 23975875; PubMed 27869827; PubMed 32964742.

NM_001267550.2(TTN):c.31852del (p.Glu10618fs)

Gene: TTN (titin; minus strand). Cytogenetic location: 2q31.2.
Variant type: Deletion.
Coding change: c.31852del on transcript NM_001267550.2 (MANE Select); coding-DNA position 31852, one base deleted (G; older notation c.31852delG).
Protein change: p.Glu10618fs; shifts the reading frame from glutamic acid 10618.
Molecular consequence: frameshift variant. On other transcripts: intron variant (3).
Genome position (GRCh38, 1-based): chr2:178,689,590, C deleted on the plus strand (G on the coding strand, the reverse complement: TTN is on the minus strand). VCF-style (leftmost placement, unchanged base first): chr2-178689589-TC-T. GRCh37 (hg19) VCF-style: chr2-179554316-TC-T.
Other names: c.30901del, p.Glu10301fs (NM_001256850.1); c.28120del, p.Glu9374fs (NM_133378.4); c.13283-47273del (NM_003319.4); c.13859-47273del (NM_133437.4); c.13658-47273del (NM_133432.3); short protein forms E10301fs, E10618fs, E9374fs.
Identifiers: ClinVar variation 3748282 (VCV003748282.2).